The following is an entry in ClinVar:

ClinVar aggregate classification (germline): Likely pathogenic (1 of 4 stars; one submission).

Submission:

Labcorp Genetics (formerly Invitae), Labcorp
Classification: Likely pathogenic. Last evaluated: 2024-09-27. Review status: criteria provided, single submitter. Criteria: Invitae Variant Classification Sherloc (09022015). Collection method: clinical testing. Allele origin: germline.
Comment: This sequence change affects a donor splice site in intron 2 of the MLPH gene. It is expected to disrupt RNA splicing. Variants that disrupt the donor or acceptor splice site typically lead to a loss of protein function (PMID: 16199547), and loss-of-function variants in MLPH are known to be pathogenic (PMID: 22711375, 32864751). This variant is not present in population databases (gnomAD no frequency). This variant has not been reported in the literature in individuals affected with MLPH-related conditions. Algorithms developed to predict the effect of sequence changes on RNA splicing suggest that this variant may disrupt the consensus splice site. In summary, the currently available evidence indicates that the variant is pathogenic, but additional data are needed to prove that conclusively. Therefore, this variant has been classified as Likely Pathogenic.

Literature cited by the submitters: PubMed 16199547; PubMed 22711375; PubMed 32864751.

NM_024101.7(MLPH):c.110+2T>C

Gene: MLPH (melanophilin; plus strand). Cytogenetic location: 2q37.3.
Variant type: single nucleotide variant.
Coding change: c.110+2T>C on transcript NM_024101.7 (MANE Select); the canonical splice donor site of the intron after coding-DNA position 110, T replaced by C.
Molecular consequence: splice donor variant.
Genome position (GRCh38, 1-based): chr2:237,493,538, T>C. VCF-style: chr2-237493538-T-C. GRCh37 (hg19) VCF-style: chr2-238402181-T-C.
Other names: c.110+2T>C (NM_001281474.2, NM_001042467.3, NM_001281473.2).
Identifiers: ClinVar variation 3721570 (VCV003721570.2).